The following is an entry in ClinVar:

ClinVar aggregate classification (germline): Pathogenic. Review status: criteria provided, single submitter (1 of 4 stars). 6 submissions from 6 submitters: Pathogenic (1). 5 of the submissions do not count toward it. Last evaluated 2023-08-14.

Conditions:
Spinocerebellar ataxia type 14 (SCA14). Identifiers: Orphanet 98763, MedGen C1854369, MONDO:0011540, OMIM 605361.

Submissions (6):

GeneDx
Classification: Pathogenic. Last evaluated: 2023-08-14. Review status: criteria provided, single submitter. Criteria: GeneDx Variant Classification Process June 2021. Collection method: clinical testing. Allele origin: germline. Affected: yes.
Comment: Published functional studies suggest a damaging effect through increasing kinase activity (Verbeek et al., 2005); Not observed at significant frequency in large population cohorts (gnomAD); In silico analysis supports that this missense variant has a deleterious effect on protein structure/function; This variant is associated with the following publications: (PMID: 21666345, 17343273, 28554312, 15642736, 15841389, 28738819, 33739604, 14694043, 15618281)

OMIM
Classification: Pathogenic for SPINOCEREBELLAR ATAXIA 14. Last evaluated: 2005-06-01. Review status: no assertion criteria provided. Collection method: literature only. Allele origin: germline. Not counted in ClinVar's aggregate classification.

Clinical Genetics DNA and cytogenetics Diagnostics Lab, Erasmus MC, Erasmus Medical Center
Classification: Pathogenic. Review status: no assertion criteria provided. Collection method: clinical testing. Allele origin: germline. Affected: yes. Study: VKGL Data-share Consensus. Not counted in ClinVar's aggregate classification.

GeneReviews
No classification provided. Condition: Spinocerebellar ataxia type 14. Review status: no classification provided. Collection method: literature only. Allele origin: germline. Not counted in ClinVar's aggregate classification.

Genome Diagnostics Laboratory, University Medical Center Utrecht
Classification: Pathogenic. Review status: no assertion criteria provided. Collection method: clinical testing. Allele origin: germline. Affected: yes. Study: VKGL Data-share Consensus. Not counted in ClinVar's aggregate classification.

Joint Genome Diagnostic Labs from Nijmegen and Maastricht, Radboudumc and MUMC+
Classification: Likely pathogenic. Review status: no assertion criteria provided. Collection method: clinical testing. Allele origin: germline. Affected: yes. Study: VKGL Data-share Consensus. Not counted in ClinVar's aggregate classification.

Literature cited by the submitters: PubMed 14694043 (cited by OMIM and GeneReviews); PubMed 15841389 (cited by OMIM); PubMed 15618281 (cited by OMIM); PubMed 20301573 (cited by GeneReviews).

NM_002739.5(PRKCG):c.353G>A (p.Gly118Asp)

Gene: PRKCG (protein kinase C gamma; plus strand). Cytogenetic location: 19q13.42.
Variant type: single nucleotide variant.
Coding change: c.353G>A on transcript NM_002739.5 (MANE Select); coding-DNA position 353, G replaced by A.
Protein change: p.Gly118Asp; replaces glycine 118 with aspartic acid.
Molecular consequence: missense variant.
Genome position (GRCh38, 1-based): chr19:53,889,705, G>A. VCF-style: chr19-53889705-G-A. GRCh37 (hg19) VCF-style: chr19-54392959-G-A.
Other names: c.353g>a; c.353G>A, p.Gly118Asp (NM_001316329.2, LRG_669t1); c.353G>A (NM_002739.3); short protein forms G118D.
Identifiers: ClinVar variation 13247 (VCV000013247.8), dbSNP rs121918514, ClinGen allele CA341263.